The following is an entry in ClinVar:

NM_002519.3(NPAT):c.3023A>G (p.Asn1008Ser)

Gene: NPAT (nuclear protein, coactivator of histone transcription; minus strand). Cytogenetic location: 11q22.3.
Variant type: single nucleotide variant.
Coding change: c.3023A>G on transcript NM_002519.3 (MANE Select); coding-DNA position 3023, A replaced by G.
Protein change: p.Asn1008Ser; replaces asparagine 1008 with serine.
Molecular consequence: missense variant.
Genome position (GRCh38, 1-based): chr11:108,162,168, T>C on the plus strand (A>G on the coding strand, the complement: NPAT is on the minus strand). VCF-style: chr11-108162168-T-C. GRCh37 (hg19) VCF-style: chr11-108032895-T-C.
Other names: c.3023A>G, p.Asn1008Ser (NM_001321307.1); short protein forms N1008S.
Identifiers: ClinVar variation 2587655 (VCV002587655.2), dbSNP rs2496697967, ClinGen allele CA382511706.

ClinVar aggregate classification (germline): Uncertain significance (1 of 4 stars; one submission).

Submission:

Ambry Genetics
Classification: Uncertain significance. Last evaluated: 2023-06-25. Review status: criteria provided, single submitter. Criteria: Ambry Variant Classification Scheme 2023. Collection method: clinical testing. Allele origin: germline.
Comment: The p.N1008S variant (also known as c.3023A>G), located in coding exon 16 of the NPAT gene, results from an A to G substitution at nucleotide position 3023. The asparagine at codon 1008 is replaced by serine, an amino acid with highly similar properties. This amino acid position is conserved. In addition, this alteration is predicted to be tolerated by in silico analysis. Since supporting evidence is limited at this time, the clinical significance of this alteration remains unclear.